The following is an entry in ClinVar:

NM_017951.5(SMPD4):c.2121A>G (p.Thr707=)

Gene: SMPD4 (sphingomyelin phosphodiesterase 4; minus strand). Cytogenetic location: 2q21.1.
Variant type: single nucleotide variant.
Coding change: c.2121A>G on transcript NM_017951.5 (MANE Select); coding-DNA position 2121, A replaced by G.
Protein change: p.Thr707=; no amino-acid change (threonine 707 retained).
Molecular consequence: synonymous variant. On other transcripts: non-coding transcript variant (2).
Genome position (GRCh38, 1-based): chr2:130,153,076, T>C on the plus strand (A>G on the coding strand, the complement: SMPD4 is on the minus strand). VCF-style: chr2-130153076-T-C. GRCh37 (hg19) VCF-style: chr2-130910649-T-C.
Other names: c.1932A>G, p.Thr644= (NM_001171083.2); c.2151A>G, p.Thr717= (NM_017751.4).
Identifiers: ClinVar variation 2651356 (VCV002651356.25), dbSNP rs766299358, ClinGen allele CA1869512.

ClinVar aggregate classification (germline): Likely benign. Review status: criteria provided, multiple submitters, no conflicts (2 of 4 stars). 2 submissions from 2 submitters: Likely benign (2). Last evaluated 2024-10-24.

Allele frequency attached by ClinVar (database versions not stated): gnomAD 0.00003; ExAC 0.00004; TOPMed 0.00008; gnomAD exomes 0.00012.
gnomAD v4.1: 178 of 1,612,528 alleles (0.011%); highest among the groups gnomAD compares: Admixed American, 0.015%; no homozygotes.

Submissions (2):

Blueprint Genetics
Classification: Likely benign. Last evaluated: 2024-10-24. Review status: criteria provided, single submitter. Criteria: ACMG Guidelines, 2015. Collection method: clinical testing. Allele origin: germline.

CeGaT Center for Human Genetics Tuebingen
Classification: Likely benign. Last evaluated: 2022-11-01. Review status: criteria provided, single submitter. Criteria: CeGaT Center For Human Genetics Tuebingen Variant Classification Criteria Version 2. Collection method: clinical testing. Allele origin: germline. Affected: yes. Observed: 1 variant allele.
Comment: SMPD4: BP4, BP7